The following is an entry in ClinVar:

ClinVar aggregate classification (germline): Pathogenic/Likely pathogenic. Review status: criteria provided, multiple submitters, no conflicts (2 of 4 stars). 5 submissions from 5 submitters: Pathogenic (1); Likely pathogenic (2). 2 of the submissions do not count toward it. Last evaluated 2025-04-23.

Conditions:
Neurodevelopmental disorder with microcephaly, impaired language, and gait abnormalities. Identifiers: MedGen C5436783, MONDO:0100348, OMIM 619091.

Allele frequency attached by ClinVar (database versions not stated): gnomAD 0.00001; TOPMed 0.00001; ExAC 0.00002.
gnomAD v4.1: 22 of 1,613,728 alleles (0.0014%); highest among the groups gnomAD compares: South Asian, 0.0088%; no homozygotes.

Submissions (5):

Victorian Clinical Genetics Services, Murdoch Childrens Research Institute
Classification: Pathogenic for Neurodevelopmental disorder with microcephaly, impaired language, and gait abnormalities. Last evaluated: 2025-04-23. Review status: criteria provided, single submitter. Criteria: ACMG Guidelines, 2015. Collection method: clinical testing. Allele origin: germline. Affected: yes.
Comment: This variant is classified as Pathogenic. Evidence in support of pathogenic classification: Variant is present in gnomAD <0.01 (v4: 22 heterozygote(s), 0 homozygote(s)); This variant has strong previous evidence of pathogenicity in unrelated individuals. This variant has been classified as pathogenic and likely pathogenic by clinical laboratories in ClinVar, and reported in the literature in a homozygous state in several individuals with NARS1-related features (PMID: 32738225, 39415096); Missense variant predicted to be damaging by in silico tool(s) or highly conserved with a major amino acid change. Additional information: Variant is predicted to result in a missense amino acid change from arginine to cysteine; This variant is homozygous; This gene is associated with both recessive and dominant disease (OMIM, PMID: 32738225); Alternative amino acid change(s) at the same position are present in gnomAD (Highest allele count: v4: 17 heterozygote(s), 0 homozygote(s)); Variant is not located in an established domain, motif, hotspot or informative constraint region; Loss of function is a known mechanism of disease in this gene and is associated with recessive neurodevelopmental disorder with microcephaly, impaired language, and gait abnormalities (NEDMILG; MIM#619091). While the mechanism of dominant neurodevelopmental disorder with microcephaly, impaired language, epilepsy, and gait abnormalities (NEDMILEG; MIM#619092) is uncertain, toxic gain of function or dominant negative have been suggested (PMID: 32738225).

Baylor Genetics
Classification: Likely pathogenic for Neurodevelopmental disorder with microcephaly, impaired language, and gait abnormalities. Last evaluated: 2021-06-25. Review status: criteria provided, single submitter. Criteria: ACMG Guidelines, 2015. Collection method: clinical testing. Allele origin: unknown.

SIB Swiss Institute of Bioinformatics
Classification: Likely pathogenic for Neurodevelopmental disorder with microcephaly, impaired language, and gait abnormalities. Last evaluated: 2021-05-10. Review status: criteria provided, single submitter. Criteria: ACMG Guidelines, 2015. Collection method: curation. Allele origin: unknown.
Comment: This variant is interpreted as likely pathogenic for Neurodevelopmental disorder with microcephaly, impaired language, and gait abnormalities, autosomal recessive. The following ACMG Tag(s) were applied: Absent from controls (or at extremely low frequency if recessive) in Exome Sequencing Project, 1000 Genomes Project, or Exome Aggregation Consortium (PM2); Cosegregation with disease in multiple affected family members in a gene definitively known to cause the disease (PP1 upgraded to strong); For recessive disorders, detected in trans with a pathogenic variant (PM3); Multiple lines of computational evidence support a deleterious effect on the gene or gene product (PP3).

Genetics and Genomic Medicine Centre, NeuroGen Healthcare, NeuroGen Healthcare
Classification: Pathogenic. Last evaluated: 2021-01-12. Review status: no assertion criteria provided. Collection method: clinical testing. Allele origin: unknown. Affected: yes. Not counted in ClinVar's aggregate classification.

OMIM
Classification: Pathogenic for NEURODEVELOPMENTAL DISORDER WITH MICROCEPHALY, IMPAIRED LANGUAGE, AND GAIT ABNORMALITIES. Last evaluated: 2020-11-18. Review status: no assertion criteria provided. Collection method: literature only. Allele origin: germline. Not counted in ClinVar's aggregate classification.

Literature cited by the submitters: PubMed 32738225 (cited by 3 submitters); PubMed 39415096 (cited by Victorian Clinical Genetics Services, Murdoch Childrens Research Institute); PubMed 32788587 (cited by SIB Swiss Institute of Bioinformatics and OMIM).

NM_004539.4(NARS1):c.1633C>T (p.Arg545Cys)

Gene: NARS1 (asparaginyl-tRNA synthetase 1; minus strand). Cytogenetic location: 18q21.31.
Variant type: single nucleotide variant.
Coding change: c.1633C>T on transcript NM_004539.4 (MANE Select); coding-DNA position 1633, C replaced by T.
Protein change: p.Arg545Cys; replaces arginine 545 with cysteine.
Molecular consequence: missense variant.
Genome position (GRCh38, 1-based): chr18:57,601,666, G>A on the plus strand (C>T on the coding strand, the complement: NARS1 is on the minus strand). VCF-style: chr18-57601666-G-A. GRCh37 (hg19) VCF-style: chr18-55268898-G-A.
Other names: short protein forms R545C.
Identifiers: ClinVar variation 986305 (VCV000986305.7), dbSNP rs770931044, ClinGen allele CA8973361.